The following is an entry in ClinVar:

ClinVar aggregate classification (germline): Likely pathogenic (1 of 4 stars; one submission).

Submission:

GeneDx
Classification: Likely pathogenic. Last evaluated: 2025-07-30. Review status: criteria provided, single submitter. Criteria: GeneDx Variant Classification Process June 2021. Collection method: clinical testing. Allele origin: germline. Affected: yes.
Comment: This variant is demonstrated to destroy the canonical splice acceptor site and result in loss of function (PMID: 36816037); No data available from control populations to assess the frequency of this variant; This variant is associated with the following publications: (PMID: 38459225, 36816037)

NM_001368894.2(PAX6):c.-128-2A>G

Gene: PAX6 (paired box 6; minus strand). Cytogenetic location: 11p13.
Variant type: single nucleotide variant.
Coding change: c.-128-2A>G on transcript NM_001368894.2 (MANE Select); the canonical splice acceptor site of the intron before 128 bases upstream of the start codon, A replaced by G.
Molecular consequence: splice acceptor variant. On other transcripts: intron variant (2).
Genome position (GRCh38, 1-based): chr11:31,806,927, T>C on the plus strand (A>G on the coding strand, the complement: PAX6 is on the minus strand). VCF-style: chr11-31806927-T-C. GRCh37 (hg19) VCF-style: chr11-31828475-T-C.
Other names: c.-128-2A>G (NM_001127612.3, NM_001368921.2, NM_001368923.2 and 29 more transcripts); c.-28-2A>G (NM_001368910.2); c.-268+3901A>G (NM_001368909.2); c.13+3901A>G (NM_001368911.2); c.-405-2A>G (NM_001368904.2); c.-909-2A>G (NM_001368905.2).
Identifiers: ClinVar variation 4689838 (VCV004689838.1).
Genomic context (GRCh38, chr11:31,806,927, plus strand): 5'-GTCCACTCTCACAATAAAAGGCCTCACACATCTGCGCGCCCCTAGTTAAAGTCTTCCCCC[T>C]AAGACAAAACAGAAGGAGAAAAAGGTATATCAAGCTGTGGTTCAACAGCATACGTCCATG-3'